The following is an entry in ClinVar:

NM_201599.3(ZMYM3):c.878G>A (p.Arg293His)

Gene: ZMYM3 (zinc finger MYM-type containing 3; minus strand). Cytogenetic location: Xq13.1.
Variant type: single nucleotide variant.
Coding change: c.878G>A on transcript NM_201599.3 (MANE Select); coding-DNA position 878, G replaced by A.
Protein change: p.Arg293His; replaces arginine 293 with histidine.
Molecular consequence: missense variant.
Genome position (GRCh38, 1-based): chrX:71,250,627, C>T on the plus strand (G>A on the coding strand, the complement: ZMYM3 is on the minus strand). VCF-style: chrX-71250627-C-T. GRCh37 (hg19) VCF-style: chrX-70470477-C-T.
Other names: c.878G>A, p.Arg293His (NM_001171162.1, NM_001171163.1, NM_005096.3); short protein forms R293H.
Identifiers: ClinVar variation 3769195 (VCV003769195.2).
Genomic context (GRCh38, chrX:71,250,627, plus strand): 5'-TGTGCACAAGTCATCTTGGTGCCCACTGCAGAGCGCCCGGCCCTTTGTGACACACTTGAG[C>T]GTAGGGACATGCGAGGAGAGCGCCGGGGCCGGAATGGCACAAAGTCCTCATCATTGGGGT-3'
Protein context (NP_963893.1, residues 283-303): RPRRSPRMSL[Arg293His]SSVSQRAGRS

ClinVar aggregate classification (germline): Uncertain significance (1 of 4 stars; one submission).

gnomAD v4.1: 2 of 1,211,219 alleles (0.00017%); highest among the groups gnomAD compares: Non-Finnish European, 0.00022%; no homozygotes.

Submission:

Women's Health and Genetics/Laboratory Corporation of America, LabCorp
Classification: Uncertain significance. Last evaluated: 2025-01-08. Review status: criteria provided, single submitter. Criteria: LabCorp Variant Classification Summary - May 2015. Collection method: clinical testing. Allele origin: germline.
Comment: Variant summary: ZMYM3 c.878G>A (p.Arg293His) results in a non-conservative amino acid change in the encoded protein sequence. Three of five in-silico tools predict a damaging effect of the variant on protein function. The variant was absent in 179897 control chromosomes (gnomAD). The available data on variant occurrences in the general population are insufficient to allow any conclusion about variant significance. To our knowledge, no occurrence of c.878G>A in individuals affected with Intellectual Developmental Disorder, X-Linked 112 and no experimental evidence demonstrating its impact on protein function have been reported. No submitters have cited clinical-significance assessments for this variant to ClinVar. Based on the evidence outlined above, the variant was classified as uncertain significance.